The following is an entry in ClinVar:

ClinVar aggregate classification (germline): Conflicting classifications of pathogenicity. Review status: criteria provided, conflicting classifications (1 of 4 stars). 7 submissions from 7 submitters: Uncertain significance (1); Likely benign (6). Last evaluated 2026-02-04.

Conditions:
Bardet-Biedl syndrome (BBS). Identifiers: Orphanet 110, MedGen C0752166, MONDO:0015229.
Bardet-Biedl syndrome 9 (BBS9). Identifiers: Orphanet 110, MedGen C1859567, MONDO:0014437, OMIM 615986.

Allele frequency attached by ClinVar (database versions not stated): 1000 Genomes Project 30x 0.00016; 1000 Genomes Project 0.00020; gnomAD 0.00084 and 0.00088; TOPMed 0.00096; ESP Exome Variant Server 0.00131.
gnomAD v4.1: 2,501 of 1,612,776 alleles (0.16%); highest among the groups gnomAD compares: Non-Finnish European, 0.2%; 1 homozygote.

Submissions (7):

Labcorp Genetics (formerly Invitae), Labcorp
Classification: Likely benign for Bardet-Biedl syndrome. Last evaluated: 2026-02-04. Review status: criteria provided, single submitter. Criteria: Invitae Variant Classification Sherloc (09022015). Collection method: clinical testing. Allele origin: germline.

Laboratory of Genetics, Children's Clinical University Hospital Latvia
Classification: Likely benign. Last evaluated: 2025-02-16. Review status: criteria provided, single submitter. Criteria: ACMG Guidelines, 2015. Collection method: clinical testing. Allele origin: germline. Affected: yes.

Mayo Clinic Laboratories, Mayo Clinic
Classification: Likely benign. Last evaluated: 2025-01-21. Review status: criteria provided, single submitter. Criteria: ACMG Guidelines, 2015. Collection method: clinical testing. Allele origin: germline. Observed: 1 variant allele.
Comment: BS1, BP4, BP7

CeGaT Center for Human Genetics Tuebingen
Classification: Likely benign. Last evaluated: 2025-01-01. Review status: criteria provided, single submitter. Criteria: CeGaT Center For Human Genetics Tuebingen Variant Classification Criteria Version 2. Collection method: clinical testing. Allele origin: germline. Affected: yes. Observed: 1 variant allele.
Comment: BBS9: BP4, BP7

Blueprint Genetics
Classification: Likely benign. Last evaluated: 2024-10-28. Review status: criteria provided, single submitter. Criteria: ACMG Guidelines, 2015. Collection method: clinical testing. Allele origin: germline.

Genetic Services Laboratory, University of Chicago
Classification: Likely benign. Last evaluated: 2019-08-30. Review status: criteria provided, single submitter. Criteria: ACMG Guidelines, 2015. Collection method: clinical testing. Allele origin: germline. Affected: no.

Illumina Laboratory Services, Illumina
Classification: Uncertain significance for Bardet-Biedl syndrome 9. Last evaluated: 2018-01-13. Review status: criteria provided, single submitter. Criteria: ICSL Variant Classification Criteria 13 December 2019. Collection method: clinical testing. Allele origin: germline.

NM_198428.3(BBS9):c.2646C>A (p.Leu882=)

Gene: BBS9 (Bardet-Biedl syndrome 9; plus strand). Cytogenetic location: 7p14.3.
Variant type: single nucleotide variant.
Coding change: c.2646C>A on transcript NM_198428.3 (MANE Select); coding-DNA position 2646, C replaced by A.
Protein change: p.Leu882=; no amino-acid change (leucine 882 retained).
Molecular consequence: synonymous variant. On other transcripts: non-coding transcript variant (3), intron variant (2).
Genome position (GRCh38, 1-based): chr7:33,605,208, C>A. VCF-style: chr7-33605208-C-A. GRCh37 (hg19) VCF-style: chr7-33644820-C-A.
Other names: p.Leu882=; c.2541C>A, p.Leu847= (NM_001033604.2); c.2631C>A, p.Leu877= (NM_001033605.2); c.2646C>A, p.Leu882= (NM_001348036.1); c.2097C>A, p.Leu699= (NM_001348037.3); c.2373C>A, p.Leu791= (NM_001348038.3); c.2268C>A, p.Leu756= (NM_001348039.3); c.2523C>A, p.Leu841= (NM_001348040.3); and 7 more.
Identifiers: ClinVar variation 215977 (VCV000215977.34), dbSNP rs61753527, ClinGen allele CA335939.
Genomic context (GRCh38, chr7:33,605,208, plus strand): 5'-ATTCAGATCTTTTCTCTCTCTTTCTCTCTTACTCTCTTTTTTTCCAGAAGTTTCACCCCT[C>A]CAAGGAGTCTCGGAATAATTCAAGTAGAGTTGTTTGGTTGAGAGGAACATCCCCATCTCA-3'
Protein context (NP_940820.1, residues 872-887): AETPRPEVSP[Leu882=]QGVSE